The following is an entry in ClinVar:

ClinVar aggregate classification (germline): Uncertain significance (1 of 4 stars; one submission).

Conditions:
Hereditary cancer-predisposing syndrome. Also called: Tumor predisposition; Hereditary Cancer Syndrome; Neoplastic Syndromes, Hereditary; Hereditary neoplastic syndrome. Identifiers: Orphanet 140162, MedGen C0027672, MeSH D009386, MONDO:0015356.

Submission:

Ambry Genetics
Classification: Uncertain significance for Hereditary cancer-predisposing syndrome. Last evaluated: 2025-10-02. Review status: criteria provided, single submitter. Criteria: Ambry Variant Classification Scheme 2023. Collection method: clinical testing. Allele origin: germline.
Comment: The p.A926P variant (also known as c.2776G>C), located in coding exon 18 of the BRIP1 gene, results from a G to C substitution at nucleotide position 2776. The alanine at codon 926 is replaced by proline, an amino acid with highly similar properties. This amino acid position is not well conserved in available vertebrate species. In addition, this alteration is predicted to be tolerated by in silico analysis. Since supporting evidence is limited at this time, the clinical significance of this alteration remains unclear.

NM_032043.3(BRIP1):c.2776G>C (p.Ala926Pro)

Gene: BRIP1 (BRCA1 interacting DNA helicase 1; minus strand). Cytogenetic location: 17q23.2.
Variant type: single nucleotide variant.
Coding change: c.2776G>C on transcript NM_032043.3 (MANE Select); coding-DNA position 2776, G replaced by C.
Protein change: p.Ala926Pro; replaces alanine 926 with proline.
Molecular consequence: missense variant.
Genome position (GRCh38, 1-based): chr17:61,685,965, C>G on the plus strand (G>C on the coding strand, the complement: BRIP1 is on the minus strand). VCF-style: chr17-61685965-C-G. GRCh37 (hg19) VCF-style: chr17-59763326-C-G.
Other names: short protein forms A926P.
Identifiers: ClinVar variation 1795855 (VCV001795855.3), dbSNP rs1003917080, ClinGen allele CA400481557.